The following is an entry in ClinVar:

NM_004329.3(BMPR1A):c.761G>A (p.Arg254His)

Gene: BMPR1A (bone morphogenetic protein receptor type 1A; plus strand). Cytogenetic location: 10q23.2.
Variant type: single nucleotide variant.
Coding change: c.761G>A on transcript NM_004329.3 (MANE Select); coding-DNA position 761, G replaced by A.
Protein change: p.Arg254His; replaces arginine 254 with histidine.
Molecular consequence: missense variant.
Genome position (GRCh38, 1-based): chr10:86,917,219, G>A. VCF-style: chr10-86917219-G-A. GRCh37 (hg19) VCF-style: chr10-88676976-G-A.
Other names: short protein forms R254H.
Identifiers: ClinVar variation 411647 (VCV000411647.25), dbSNP rs766908700, ClinGen allele CA5585599.
Genomic context (GRCh38, chr10:86,917,219, plus strand): 5'-TTCAGATGGTCCGGCAAGTTGGTAAAGGCCGATATGGAGAAGTATGGATGGGCAAATGGC[G>A]TGGCGAAAAAGTGGCGGTGAAAGTATTCTTTACCACTGAAGAAGCCAGCTGGTTTCGAGA-3'
Protein context (NP_004320.2, residues 244-264): RYGEVWMGKW[Arg254His]GEKVAVKVFF

ClinVar aggregate classification (germline): Conflicting classifications of pathogenicity. Review status: criteria provided, conflicting classifications (1 of 4 stars). 8 submissions from 8 submitters: Uncertain significance (7); Benign (1). Last evaluated 2026-01-21.

Conditions:
Polyposis syndrome, hereditary mixed, 2. Identifiers: Orphanet 157794, MedGen C1864730, MONDO:0012405, OMIM 610069.
Generalized juvenile polyposis/juvenile polyposis coli. Also called: Juvenile polyposis coli. Identifiers: Orphanet 329971, MedGen C1868081, MONDO:0008276.
Hereditary cancer-predisposing syndrome. Also called: Hereditary neoplastic syndrome; Neoplastic Syndromes, Hereditary; Tumor predisposition; Hereditary Cancer Syndrome. Identifiers: Orphanet 140162, MedGen C0027672, MeSH D009386, MONDO:0015356.
Juvenile polyposis syndrome (JPS). Identifiers: Orphanet 2929, MedGen C0345893, MONDO:0017380, OMIM 174900.

Allele frequency attached by ClinVar (database versions not stated): ExAC 0.00001; gnomAD 0.00001; gnomAD exomes 0.00001 and 0.00002; TOPMed 0.00004.
gnomAD v4.1: 20 of 1,613,914 alleles (0.0012%); highest among the groups gnomAD compares: South Asian, 0.0033%; no homozygotes.

Submissions (8):

Labcorp Genetics (formerly Invitae), Labcorp
Classification: Uncertain significance for Juvenile polyposis syndrome. Last evaluated: 2026-01-21. Review status: criteria provided, single submitter. Criteria: Invitae Variant Classification Sherloc (09022015). Collection method: clinical testing. Allele origin: germline.
Comment: This sequence change replaces arginine, which is basic and polar, with histidine, which is basic and polar, at codon 254 of the BMPR1A protein (p.Arg254His). This variant is present in population databases (rs766908700, gnomAD 0.01%). This missense change has been observed in individual(s) with sporadic juvenile polyposis (PMID: 18823382). ClinVar contains an entry for this variant (Variation ID: 411647). Invitae Evidence Modeling incorporating data from in vitro experimental studies (internal data) indicates that this missense variant is not expected to disrupt BMPR1A function with a negative predictive value of 95%. Experimental studies have shown that this missense change does not substantially affect BMPR1A function (PMID: 23433720, 31769494). In summary, the available evidence is currently insufficient to determine the role of this variant in disease. Therefore, it has been classified as a Variant of Uncertain Significance.

Center for Genomic Medicine, Rigshospitalet, Copenhagen University Hospital
Classification: Uncertain significance. Last evaluated: 2025-03-04. Review status: criteria provided, single submitter. Criteria: ACMG Guidelines, 2015. Collection method: clinical testing. Allele origin: germline.

Ambry Genetics
Classification: Benign for Hereditary cancer-predisposing syndrome. Last evaluated: 2024-06-19. Review status: criteria provided, single submitter. Criteria: Ambry Variant Classification Scheme 2023. Collection method: clinical testing. Allele origin: germline.

All of Us Research Program, National Institutes of Health
Classification: Uncertain significance for Juvenile polyposis syndrome. Last evaluated: 2024-04-25. Review status: criteria provided, single submitter. Criteria: ACMG Guidelines, 2015. Collection method: clinical testing. Allele origin: germline. Inheritance: Autosomal dominant inheritance. Observed: 5 variant alleles, 5 heterozygotes.
Comment: This missense variant replaces arginine with histidine at codon 254 of the BMPR1A protein. Computational prediction suggests that this variant may have deleterious impact on protein structure and function (internally defined REVEL score threshold >= 0.7, PMID: 27666373). A functional study indicated that the variant protein showed reduced localization to the cellular membrane however protein levels and BMP signaling were similar to or greater than wild type (PMID: 23433720). This variant has been reported in individuals affected with juvenile polyposis (PMID 18823382) and primary ovarian insufficiency (PMID 28505269). This variant has been identified in 4/251344 chromosomes in the general population by the Genome Aggregation Database (gnomAD). The available evidence is insufficient to determine the role of this variant in disease conclusively. Therefore, this variant is classified as a Variant of Uncertain Significance.

This study involves interpretation of variants in research participants for the purpose of population health screening. Participant phenotype was not available at the time of variant classification. Additional details can be found in publication PMID: 35346344, PMCID: PMC8962531

Baylor Genetics
Classification: Uncertain significance for Polyposis syndrome, hereditary mixed, 2. Last evaluated: 2024-03-05. Review status: criteria provided, single submitter. Criteria: ACMG Guidelines, 2015. Collection method: clinical testing. Allele origin: unknown.

Color Diagnostics, LLC DBA Color Health
Classification: Uncertain significance for Hereditary cancer-predisposing syndrome. Last evaluated: 2023-09-29. Review status: criteria provided, single submitter. Criteria: ACMG Guidelines, 2015. Collection method: clinical testing. Allele origin: germline.
Comment: This missense variant replaces arginine with histidine at codon 254 of the BMPR1A protein. Computational prediction suggests that this variant may have deleterious impact on protein structure and function (internally defined REVEL score threshold >= 0.7, PMID: 27666373). A functional study indicated that the variant protein showed reduced localization to the cellular membrane however protein levels and BMP signaling were similar to or greater than wild type (PMID: 23433720). This variant has been reported in an individual affected with sporadic juvenile polyposis (PMID: 18823382). This variant has been identified in 4/251344 chromosomes in the general population by the Genome Aggregation Database (gnomAD). The available evidence is insufficient to determine the role of this variant in disease conclusively. Therefore, this variant is classified as a Variant of Uncertain Significance.

GeneDx
Classification: Uncertain significance. Last evaluated: 2023-03-15. Review status: criteria provided, single submitter. Criteria: GeneDx Variant Classification Process June 2021. Collection method: clinical testing. Allele origin: germline. Affected: yes.
Comment: Not observed at significant frequency in large population cohorts (gnomAD); In silico analysis supports that this missense variant has a deleterious effect on protein structure/function; Reported in an individual with sporadic juvenile polyposis (Calva-Cerqueira et al., 2009); Published functional studies demonstrate protein expression levels similar to wild-type and increased BMP signaling and intracellular localization, which was not statistically significant when compared to wild-type (Howe et al., 2013); This variant is associated with the following publications: (PMID: 18823382, 23433720, 33032550, 31769494)

Quest Diagnostics Nichols Institute San Juan Capistrano
Classification: Uncertain significance. Last evaluated: 2020-11-13. Review status: criteria provided, single submitter. Criteria: Quest Diagnostics criteria. Collection method: clinical testing. Allele origin: unknown.

Literature cited by the submitters: PubMed 18823382 (cited by 5 submitters); PubMed 23433720 (cited by 6 submitters); PubMed 31769494 (cited by Labcorp Genetics (formerly Invitae), Labcorp); PubMed 33032550 (cited by Quest Diagnostics Nichols Institute San Juan Capistrano).